The following is an entry in ClinVar:

ClinVar aggregate classification (germline): Likely pathogenic (1 of 4 stars; one submission).

Conditions:
Au-Kline syndrome. Also called: Neurodevelopmental disorder-craniofacial dysmorphism-cardiac defect-hip dysplasia syndrome due to a point mutation; Okamoto syndrome. Identifiers: Orphanet 2729, Orphanet 453499, Orphanet 453504, MedGen C4225274, MONDO:0014700, OMIM 616580.

Submission:

3billion
Classification: Likely pathogenic for Au-Kline syndrome. Last evaluated: 2024-12-19. Review status: criteria provided, single submitter. Criteria: ACMG Guidelines, 2015. Collection method: clinical testing. Allele origin: germline. Affected: yes.
Comment: The variant is not observed in the gnomAD v4.1.0 dataset. Predicted Consequence/Location: Frameshift: predicted to result in a loss or disruption of normal protein function through nonsense-mediated decay (NMD) or protein truncation. A pathogenic variant is reported downstream of the variant. Therefore, this variant is classified as Likely pathogenic according to the recommendation of ACMG/AMP guideline.

NM_031263.4(HNRNPK):c.1291del (p.Glu431fs)

Gene: HNRNPK (heterogeneous nuclear ribonucleoprotein K; minus strand). Cytogenetic location: 9q21.32.
Variant type: Deletion.
Coding change: c.1291del on transcript NM_031263.4 (MANE Select); coding-DNA position 1291, one base deleted (G; older notation c.1291delG).
Protein change: p.Glu431fs; shifts the reading frame from glutamic acid 431.
Molecular consequence: frameshift variant.
Genome position (GRCh38, 1-based): chr9:83,970,232, C deleted on the plus strand (G on the coding strand, the reverse complement: HNRNPK is on the minus strand). VCF-style (leftmost placement, unchanged base first): chr9-83970231-TC-T. GRCh37 (hg19) VCF-style: chr9-86585146-TC-T.
Other names: c.1219del, p.Glu407fs (NM_001318186.2, NM_001318187.2); c.1291del, p.Glu431fs (NM_001318188.2, NM_002140.5, NM_031262.4); short protein forms E407fs, E431fs.
Identifiers: ClinVar variation 4293029 (VCV004293029.1).